The following is an entry in ClinVar:

NM_001039591.3(USP9X):c.6973-5T>C

Gene: USP9X (ubiquitin specific peptidase 9 X-linked; plus strand). Cytogenetic location: Xp11.4.
Variant type: single nucleotide variant.
Coding change: c.6973-5T>C on transcript NM_001039591.3 (MANE Select); 5 bases into the intron before coding-DNA position 6973, T replaced by C.
Molecular consequence: intron variant.
Genome position (GRCh38, 1-based): chrX:41,225,044, T>C. VCF-style: chrX-41225044-T-C. GRCh37 (hg19) VCF-style: chrX-41084297-T-C.
Other names: c.6988-5T>C (NM_001410748.1, NM_001410749.1, NM_001437534.1); c.6973-5T>C (NM_001039590.3).
Identifiers: ClinVar variation 4874528 (VCV004874528.2).
Genomic context (GRCh38, chrX:41,225,044, plus strand): 5'-TATGTTTATAATTTGATTTGTTATTCCTTTCATTAAGTTACTCACCATGTCTTACTTGTT[T>C]TTAGGTTGCATATTCCTATACCTATGAACTGCGGCCCTATTTGGATCTGCTTTTGCAAAT-3'

ClinVar aggregate classification (germline): Uncertain significance (1 of 4 stars; one submission).

Submission:

CeGaT Center for Human Genetics Tuebingen
Classification: Uncertain significance. Last evaluated: 2026-04-01. Review status: criteria provided, single submitter. Criteria: CeGaT Center For Human Genetics Tuebingen Variant Classification Criteria Version 2. Collection method: clinical testing. Allele origin: germline. Affected: yes. Observed: 1 variant allele.
Comment: USP9X: PM2, BP4